The following is an entry in ClinVar:

ClinVar aggregate classification (germline): Uncertain significance. Review status: criteria provided, multiple submitters, no conflicts (2 of 4 stars). 2 submissions from 2 submitters: Uncertain significance (2). Last evaluated 2024-05-16.

Conditions:
D-2-hydroxyglutaric aciduria 2 (D2HGA2). Identifiers: Orphanet 79315, MedGen C3150909, MONDO:0013345, OMIM 613657.

Submissions (2):

Clinical Genomics Laboratory, Washington University in St. Louis
Classification: Uncertain significance for D-2-hydroxyglutaric aciduria 2. Last evaluated: 2024-05-16. Review status: criteria provided, single submitter. Criteria: ACMG Guidelines, 2015. Collection method: clinical testing. Allele origin: germline.
Comment: The IDH2 c.923G>C (p.Cys308Ser) variant was identified at a near heterozygous allelic fraction of 48.7%, a frequency which may be consistent with it being of germline origin. This variant, to our knowledge, has not been reported in the medical literature and it is absent from the general population (gnomAD v.4.1.0), indicating it is not a common variant. This variant has been reported in the ClinVar database as a variant of uncertain significance by one submitter (ClinVar ID: 949037). Computational predictors indicate that the variant is damaging, evidence that correlates with impact to IDH2 function. Due to limited information and based on ACMG/AMP guidelines for variant interpretation (Richards S et al., PMID: 25741868), the clinical significance of this variant is uncertain at this time.

Labcorp Genetics (formerly Invitae), Labcorp
Classification: Uncertain significance for D-2-hydroxyglutaric aciduria 2. Last evaluated: 2022-03-15. Review status: criteria provided, single submitter. Criteria: Invitae Variant Classification Sherloc (09022015). Collection method: clinical testing. Allele origin: germline.
Comment: In summary, the available evidence is currently insufficient to determine the role of this variant in disease. Therefore, it has been classified as a Variant of Uncertain Significance. Algorithms developed to predict the effect of missense changes on protein structure and function are either unavailable or do not agree on the potential impact of this missense change (SIFT: "Deleterious"; PolyPhen-2: "Probably Damaging"; Align-GVGD: "Class C0"). ClinVar contains an entry for this variant (Variation ID: 949037). This variant has not been reported in the literature in individuals affected with IDH2-related conditions. This variant is not present in population databases (gnomAD no frequency). This sequence change replaces cysteine, which is neutral and slightly polar, with serine, which is neutral and polar, at codon 308 of the IDH2 protein (p.Cys308Ser).

NM_002168.4(IDH2):c.923G>C (p.Cys308Ser)

Gene: IDH2 (isocitrate dehydrogenase (NADP(+)) 2; minus strand). Cytogenetic location: 15q26.1.
Variant type: single nucleotide variant.
Coding change: c.923G>C on transcript NM_002168.4 (MANE Select); coding-DNA position 923, G replaced by C.
Protein change: p.Cys308Ser; replaces cysteine 308 with serine.
Molecular consequence: missense variant.
Genome position (GRCh38, 1-based): chr15:90,087,156, C>G on the plus strand (G>C on the coding strand, the complement: IDH2 is on the minus strand). VCF-style: chr15-90087156-C-G. GRCh37 (hg19) VCF-style: chr15-90630388-C-G.
Other names: c.767G>C, p.Cys256Ser (NM_001289910.1); c.533G>C, p.Cys178Ser (NM_001290114.2); short protein forms C256S, C308S, C178S.
Identifiers: ClinVar variation 949037 (VCV000949037.10), dbSNP rs1344620365, ClinGen allele CA393801281.